The following is an entry in ClinVar:

ClinVar aggregate classification (germline): Conflicting classifications of pathogenicity. Review status: criteria provided, conflicting classifications (1 of 4 stars). 3 submissions from 3 submitters: Uncertain significance (2); Likely benign (1). Last evaluated 2025-08-04.

Conditions:
Hereditary cancer-predisposing syndrome. Also called: Tumor predisposition; Hereditary Cancer Syndrome; Hereditary neoplastic syndrome; Neoplastic Syndromes, Hereditary. Identifiers: Orphanet 140162, MedGen C0027672, MeSH D009386, MONDO:0015356.
Hereditary breast ovarian cancer syndrome. Also called: BRCA1- and BRCA2-Associated Hereditary Breast and Ovarian Cancer; Hereditary breast and ovarian cancer; Hereditary breast and ovarian cancer syndrome; Hereditary breast and ovarian cancer syndrome (HBOC); Breast and ovarian cancer; Hereditary breast and/or ovarian cancer syndrome. Identifiers: Orphanet 145, MedGen C0677776, MeSH D061325, MONDO:0003582. Disease mechanism: loss of function.

Submissions (3):

Quest Diagnostics Nichols Institute San Juan Capistrano
Classification: Uncertain significance. Last evaluated: 2025-08-04. Review status: criteria provided, single submitter. Criteria: Quest Diagnostics criteria. Collection method: clinical testing. Allele origin: unknown.
Comment: The BRCA2 c.3276T>A (p.Phe1092Leu) variant has been reported in the published literature to be located in a region of the BRCA2 gene that is tolerant to missense sequence changes (PMID: 31911673 (2020)). This variant has not been reported in large, multi-ethnic general populations (Genome Aggregation Database). Analysis of this variant using bioinformatics tools for the prediction of the effect of amino acid changes on protein structure and function yielded predictions that this variant is benign. Based on the available information, we are unable to determine the clinical significance of this variant.

University of Washington Department of Laboratory Medicine, University of Washington
Classification: Likely benign for Hereditary cancer-predisposing syndrome. Last evaluated: 2023-03-23. Review status: criteria provided, single submitter. Criteria: Dines et al. (Genet Med. 2020). Collection method: curation. Allele origin: germline.
Comment: Missense variant in a coldspot region where missense variants are very unlikely to be pathogenic (PMID:31911673).

BRCA2 exon 11 coldspot. Reclassification based on statistical prior probability.

Labcorp Genetics (formerly Invitae), Labcorp
Classification: Uncertain significance for Hereditary breast ovarian cancer syndrome. Last evaluated: 2021-04-04. Review status: criteria provided, single submitter. Criteria: Invitae Variant Classification Sherloc (09022015). Collection method: clinical testing. Allele origin: germline.
Comment: This variant has not been reported in the literature in individuals with BRCA2-related conditions. In summary, the available evidence is currently insufficient to determine the role of this variant in disease. Therefore, it has been classified as a Variant of Uncertain Significance. Advanced modeling of protein sequence and biophysical properties (such as structural, functional, and spatial information, amino acid conservation, physicochemical variation, residue mobility, and thermodynamic stability) performed at Invitae indicates that this missense variant is not expected to disrupt BRCA2 protein function. This variant is not present in population databases (ExAC no frequency). This sequence change replaces phenylalanine with leucine at codon 1092 of the BRCA2 protein (p.Phe1092Leu). The phenylalanine residue is weakly conserved and there is a small physicochemical difference between phenylalanine and leucine.

Literature cited by the submitters: PubMed 31911673 (cited by Quest Diagnostics Nichols Institute San Juan Capistrano).

NM_000059.4(BRCA2):c.3276T>A (p.Phe1092Leu)

Gene: BRCA2 (BRCA2 DNA repair associated; plus strand). Cytogenetic location: 13q13.1.
Variant type: single nucleotide variant.
Coding change: c.3276T>A on transcript NM_000059.4 (MANE Select); coding-DNA position 3276, T replaced by A.
Protein change: p.Phe1092Leu; replaces phenylalanine 1092 with leucine.
Molecular consequence: missense variant.
Genome position (GRCh38, 1-based): chr13:32,337,631, T>A. VCF-style: chr13-32337631-T-A. GRCh37 (hg19) VCF-style: chr13-32911768-T-A.
Other names: c.3276T>A (NM_000059.3); short protein forms F1092L.
Identifiers: ClinVar variation 1467099 (VCV001467099.10), dbSNP rs2137495021, ClinGen allele CA387776073.